The following is an entry in ClinVar:

NM_014283.5(SUCO):c.253C>T (p.His85Tyr)

Gene: SUCO (SUN domain containing ossification factor; plus strand). Cytogenetic location: 1q24.3.
Variant type: single nucleotide variant.
Coding change: c.253C>T on transcript NM_014283.5 (MANE Select); coding-DNA position 253, C replaced by T.
Protein change: p.His85Tyr; replaces histidine 85 with tyrosine.
Molecular consequence: missense variant. On other transcripts: 5 prime UTR variant (1), intron variant (2).
Genome position (GRCh38, 1-based): chr1:172,553,335, C>T. VCF-style: chr1-172553335-C-T. GRCh37 (hg19) VCF-style: chr1-172522475-C-T.
Other names: c.-1277C>T (NM_001282751.2); c.762+1709C>T (NM_016227.4); c.177+1709C>T (NM_001282750.2); c.253C>T (NM_014283.3); short protein forms H85Y.
Identifiers: ClinVar variation 2864930 (VCV002864930.4), dbSNP rs769008393, ClinGen allele CA1246498.

ClinVar aggregate classification (germline): Uncertain significance. Review status: criteria provided, multiple submitters, no conflicts (2 of 4 stars). 2 submissions from 2 submitters: Uncertain significance (2). Last evaluated 2025-11-20.

Allele frequency attached by ClinVar (database versions not stated): ExAC 0.00001; gnomAD exomes 0.00001; TOPMed 0.00003.
gnomAD v4.1: 7 of 1,603,694 alleles (0.00044%); highest among the groups gnomAD compares: Admixed American, 0.012%; no homozygotes.

Submissions (2):

Ambry Genetics
Classification: Uncertain significance. Last evaluated: 2025-11-20. Review status: criteria provided, single submitter. Criteria: Ambry Variant Classification Scheme 2023. Collection method: clinical testing. Allele origin: germline.

Labcorp Genetics (formerly Invitae), Labcorp
Classification: Uncertain significance. Last evaluated: 2024-05-20. Review status: criteria provided, single submitter. Criteria: Invitae Variant Classification Sherloc (09022015). Collection method: clinical testing. Allele origin: germline.
Comment: This sequence change replaces histidine, which is basic and polar, with tyrosine, which is neutral and polar, at codon 85 of the SUCO protein (p.His85Tyr). This variant is present in population databases (rs769008393, gnomAD 0.02%). This variant has not been reported in the literature in individuals affected with SUCO-related conditions. Algorithms developed to predict the effect of missense changes on protein structure and function output the following: SIFT: "Not Available"; PolyPhen-2: "Benign"; Align-GVGD: "Not Available". The tyrosine amino acid residue is found in multiple mammalian species, which suggests that this missense change does not adversely affect protein function. In summary, the available evidence is currently insufficient to determine the role of this variant in disease. Therefore, it has been classified as a Variant of Uncertain Significance.